The following is an entry in ClinVar:

ClinVar aggregate classification (germline): Likely benign. Review status: criteria provided, single submitter (1 of 4 stars). 2 submissions from 2 submitters: Likely benign (1). 1 of the submissions does not count toward it. Last evaluated 2022-08-23.

Conditions:
Severe early-onset pulmonary alveolar proteinosis due to MARS deficiency. Also called: PULMONARY ALVEOLAR PROTEINOSIS, REUNION ISLAND; Interstitial lung and liver disease. Identifiers: Orphanet 440427, MedGen C4225400, MONDO:0014206, OMIM 615486.
Charcot-Marie-Tooth disease axonal type 2U. Also called: CHARCOT-MARIE-TOOTH DISEASE, AXONAL, AUTOSOMAL DOMINANT, TYPE 2U; CHARCOT-MARIE-TOOTH NEUROPATHY, TYPE 2U. Identifiers: Orphanet 397735, MedGen C4084821, MONDO:0014566, OMIM 616280.
MARS1-related disorder. Also called: MARS1-related condition.

Allele frequency attached by ClinVar (database versions not stated): TOPMed below 0.00001.
gnomAD v4.1: 8 of 1,614,136 alleles (0.0005%); highest among the groups gnomAD compares: African/African-American, 0.0027%; no homozygotes.

Submissions (2):

Labcorp Genetics (formerly Invitae), Labcorp
Classification: Likely benign for Charcot-Marie-Tooth disease axonal type 2U; Severe early-onset pulmonary alveolar proteinosis due to MARS deficiency. Last evaluated: 2022-08-23. Review status: criteria provided, single submitter. Criteria: Invitae Variant Classification Sherloc (09022015). Collection method: clinical testing. Allele origin: germline.

PreventionGenetics, part of Exact Sciences
Classification: Likely benign for MARS1-related condition. Last evaluated: 2019-04-22. Review status: no assertion criteria provided. Collection method: clinical testing. Allele origin: germline. Not counted in ClinVar's aggregate classification.
Comment: This variant is classified as likely benign based on ACMG/AMP sequence variant interpretation guidelines (Richards et al. 2015 PMID: 25741868, with internal and published modifications).

NM_004990.4(MARS1):c.2472G>A (p.Thr824=)

Gene: MARS1 (methionyl-tRNA synthetase 1; plus strand). Cytogenetic location: 12q13.3.
Variant type: single nucleotide variant.
Coding change: c.2472G>A on transcript NM_004990.4 (MANE Select); coding-DNA position 2472, G replaced by A.
Protein change: p.Thr824=; no amino-acid change (threonine 824 retained).
Molecular consequence: synonymous variant.
Genome position (GRCh38, 1-based): chr12:57,516,253, G>A. VCF-style: chr12-57516253-G-A. GRCh37 (hg19) VCF-style: chr12-57910036-G-A.
Identifiers: ClinVar variation 728776 (VCV000728776.10), dbSNP rs1594838097, ClinGen allele CA480260168.
Genomic context (GRCh38, chr12:57,516,253, plus strand): 5'-TGGAGGTTAGGGGATATTTATGGTTGCTGGTGATAACTTTGTTGTTCTCCAGGCAAAAAC[G>A]TCCCCGAAGCCAGCAGTTGTAGAGACTGTTACAACAGCCAAGCCACAGCAGATACAAGCG-3'
Protein context (NP_004981.2, residues 814-834): RQRFGGGQAK[Thr824=]SPKPAVVETV